The following is an entry in ClinVar:

ClinVar aggregate classification (germline): Uncertain significance. Review status: criteria provided, multiple submitters, no conflicts (2 of 4 stars). 2 submissions from 2 submitters: Uncertain significance (2). Last evaluated 2024-01-31.

Conditions:
Hereditary cancer-predisposing syndrome. Also called: Hereditary neoplastic syndrome; Tumor predisposition; Neoplastic Syndromes, Hereditary; Hereditary Cancer Syndrome. Identifiers: Orphanet 140162, MedGen C0027672, MeSH D009386, MONDO:0015356.

Submissions (2):

Ambry Genetics
Classification: Uncertain significance for Hereditary cancer-predisposing syndrome. Last evaluated: 2024-01-31. Review status: criteria provided, single submitter. Criteria: Ambry Variant Classification Scheme 2023. Collection method: clinical testing. Allele origin: germline.
Comment: The p.H624R variant (also known as c.1871A>G), located in coding exon 17 of the POLE gene, results from an A to G substitution at nucleotide position 1871. The histidine at codon 624 is replaced by arginine, an amino acid with highly similar properties. This amino acid position is conserved. In addition, this alteration is predicted to be deleterious by in silico analysis. Based on the available evidence, the clinical significance of this alteration remains unclear.

Labcorp Genetics (formerly Invitae), Labcorp
Classification: Uncertain significance. Last evaluated: 2023-10-23. Review status: criteria provided, single submitter. Criteria: Invitae Variant Classification Sherloc (09022015). Collection method: clinical testing. Allele origin: germline.
Comment: This sequence change replaces histidine, which is basic and polar, with arginine, which is basic and polar, at codon 624 of the POLE protein (p.His624Arg). This variant is not present in population databases (gnomAD no frequency). This variant has not been reported in the literature in individuals affected with POLE-related conditions. ClinVar contains an entry for this variant (Variation ID: 1504199). Advanced modeling of protein sequence and biophysical properties (such as structural, functional, and spatial information, amino acid conservation, physicochemical variation, residue mobility, and thermodynamic stability) performed at Invitae indicates that this missense variant is expected to disrupt POLE protein function. In summary, the available evidence is currently insufficient to determine the role of this variant in disease. Therefore, it has been classified as a Variant of Uncertain Significance.

NM_006231.4(POLE):c.1871A>G (p.His624Arg)

Gene: POLE (DNA polymerase epsilon, catalytic subunit; minus strand). Cytogenetic location: 12q24.33.
Variant type: single nucleotide variant.
Coding change: c.1871A>G on transcript NM_006231.4 (MANE Select); coding-DNA position 1871, A replaced by G.
Protein change: p.His624Arg; replaces histidine 624 with arginine.
Molecular consequence: missense variant.
Genome position (GRCh38, 1-based): chr12:132,668,863, T>C on the plus strand (A>G on the coding strand, the complement: POLE is on the minus strand). VCF-style: chr12-132668863-T-C. GRCh37 (hg19) VCF-style: chr12-133245449-T-C.
Other names: c.1871A>G (NM_006231.2); short protein forms H624R.
Identifiers: ClinVar variation 1504199 (VCV001504199.9), dbSNP rs2042859694, ClinGen allele CA387355409.